The following is an entry in ClinVar:

ClinVar aggregate classification (germline): Uncertain significance. Review status: criteria provided, multiple submitters, no conflicts (2 of 4 stars). 2 submissions from 2 submitters: Uncertain significance (2). Last evaluated 2025-04-01.

Conditions:
Inborn genetic diseases. Identifiers: MedGen C0950123, MeSH D030342.

Allele frequency attached by ClinVar (database versions not stated): gnomAD 0.00001; ESP Exome Variant Server 0.00008; gnomAD exomes below 0.00001; ExAC 0.00003; TOPMed 0.00005.
gnomAD v4.1: 6 of 1,613,810 alleles (0.00037%); highest among the groups gnomAD compares: African/African-American, 0.004%; no homozygotes.

Submissions (2):

Ambry Genetics
Classification: Uncertain significance for Inborn genetic diseases. Last evaluated: 2025-04-01. Review status: criteria provided, single submitter. Criteria: Ambry Variant Classification Scheme 2023. Collection method: clinical testing. Allele origin: germline.

Labcorp Genetics (formerly Invitae), Labcorp
Classification: Uncertain significance. Last evaluated: 2023-07-10. Review status: criteria provided, single submitter. Criteria: Invitae Variant Classification Sherloc (09022015). Collection method: clinical testing. Allele origin: germline.
Comment: In summary, the available evidence is currently insufficient to determine the role of this variant in disease. Therefore, it has been classified as a Variant of Uncertain Significance. Advanced modeling of protein sequence and biophysical properties (such as structural, functional, and spatial information, amino acid conservation, physicochemical variation, residue mobility, and thermodynamic stability) performed at Invitae indicates that this missense variant is expected to disrupt TBX15 protein function. ClinVar contains an entry for this variant (Variation ID: 1926743). This variant has not been reported in the literature in individuals affected with TBX15-related conditions. This variant is present in population databases (rs139099587, gnomAD 0.007%). This sequence change replaces isoleucine, which is neutral and non-polar, with threonine, which is neutral and polar, at codon 59 of the TBX15 protein (p.Ile59Thr).

NM_001330677.2(TBX15):c.494T>C (p.Ile165Thr)

Gene: TBX15 (T-box transcription factor 15; minus strand). Cytogenetic location: 1p12.
Variant type: single nucleotide variant.
Coding change: c.494T>C on transcript NM_001330677.2 (MANE Select); coding-DNA position 494, T replaced by C.
Protein change: p.Ile165Thr; replaces isoleucine 165 with threonine.
Molecular consequence: missense variant.
Genome position (GRCh38, 1-based): chr1:118,926,537, A>G on the plus strand (T>C on the coding strand, the complement: TBX15 is on the minus strand). VCF-style: chr1-118926537-A-G. GRCh37 (hg19) VCF-style: chr1-119469160-A-G.
Other names: c.176T>C, p.Ile59Thr (NM_152380.3); c.176T>C (NM_152380.2); short protein forms I165T, I59T.
Identifiers: ClinVar variation 1926743 (VCV001926743.5), dbSNP rs139099587, ClinGen allele CA1035069.